The following is an entry in ClinVar:

NM_025137.4(SPG11):c.1891+1G>T

Gene: SPG11 (SPG11 vesicle trafficking associated, spatacsin; minus strand). Cytogenetic location: 15q21.1.
Variant type: single nucleotide variant.
Coding change: c.1891+1G>T on transcript NM_025137.4 (MANE Select); the canonical splice donor site of the intron after coding-DNA position 1891, G replaced by T.
Molecular consequence: splice donor variant.
Genome position (GRCh38, 1-based): chr15:44,629,232, C>A on the plus strand (G>T on the coding strand, the complement: SPG11 is on the minus strand). VCF-style: chr15-44629232-C-A. GRCh37 (hg19) VCF-style: chr15-44921430-C-A.
Other names: c.1891+1G>T (NM_001411132.1, NM_001160227.2).
Identifiers: ClinVar variation 852519 (VCV000852519.8), dbSNP rs532072204, ClinGen allele CA270080968.

ClinVar aggregate classification (germline): Pathogenic/Likely pathogenic. Review status: criteria provided, multiple submitters, no conflicts (2 of 4 stars). 2 submissions from 2 submitters: Pathogenic (1); Likely pathogenic (1). Last evaluated 2025-12-07.

Conditions:
Hereditary spastic paraplegia 11. Also called: Nakamura Osame syndrome; Autosomal recessive hereditary spastic paraplegia, mental impairment, and thin corpus callosum; SPASTIC PARAPLEGIA, AUTOSOMAL RECESSIVE, COMPLICATED, WITH THIN CORPUS CALLOSUM; SPASTIC PARAPLEGIA, AUTOSOMAL RECESSIVE, WITH MENTAL IMPAIRMENT AND THIN CORPUS CALLOSUM; Spastic paraplegia, mental retardation and thin corpus callosum; Spastic Paraplegia 11. Identifiers: Orphanet 2822, MedGen C1858479, MONDO:0011445, OMIM 604360.
Hereditary spastic paraplegia. Also called: Familial spastic paraparesis. Identifiers: Orphanet 685, MedGen C0037773, MONDO:0019064. Disease mechanism: loss of function.

Allele frequency attached by ClinVar (database versions not stated): gnomAD exomes below 0.00001.
gnomAD v4.1: 3 of 1,613,890 alleles (0.00019%); highest among the groups gnomAD compares: Non-Finnish European, 0.00025%; no homozygotes.

Submissions (2):

Labcorp Genetics (formerly Invitae), Labcorp
Classification: Pathogenic for Hereditary spastic paraplegia 11. Last evaluated: 2025-12-07. Review status: criteria provided, single submitter. Criteria: Invitae Variant Classification Sherloc (09022015). Collection method: clinical testing. Allele origin: germline.
Comment: This sequence change affects a donor splice site in intron 9 of the SPG11 gene. RNA analysis indicates that disruption of this splice site induces altered splicing and may result in an absent or altered protein product. This variant is not present in population databases (gnomAD no frequency). Disruption of this splice site has been observed in individual(s) with autosomal recessive spastic paraplegia (PMID: 25059394). ClinVar contains an entry for this variant (Variation ID: 852519). Studies have shown that disruption of this splice site results in skipping of exon 9, and produces a non-functional protein and/or introduces a premature termination codon (PMID: 25059394). For these reasons, this variant has been classified as Pathogenic.

Women's Health and Genetics/Laboratory Corporation of America, LabCorp
Classification: Likely pathogenic for Hereditary spastic paraplegia. Last evaluated: 2023-02-28. Review status: criteria provided, single submitter. Criteria: LabCorp Variant Classification Summary - May 2015. Collection method: clinical testing. Allele origin: germline.
Comment: Variant summary: SPG11 c.1891+1G>T is located in a canonical splice-site and is predicted to affect mRNA splicing resulting in a significantly altered protein due to either exon skipping, shortening, or inclusion of intronic material. Several computational tools predict a significant impact on normal splicing: Four predict the variant abolishes the canonical 5' splicing donor site. At least one publication reports experimental evidence that this variant leads to skipping of exon 9 (example: Giannoccaro_2014). The variant was absent in 251412 control chromosomes (gnomAD). c.1891+1G>T has been reported in the literature in an individual affected late-onset hereditary spastic paraplegia (example: Giannoccaro_2014). One clinical diagnostic laboratory has submitted clinical-significance assessments for this variant to ClinVar after 2014 and classified the variant as pathogenic. Based on the evidence outlined above, the variant was classified as likely pathogenic.

Literature cited by the submitters: PubMed 25059394 (cited by Labcorp Genetics (formerly Invitae), Labcorp and Women's Health and Genetics/Laboratory Corporation of America, LabCorp).